The following is an entry in ClinVar:

ClinVar aggregate classification (germline): Pathogenic (1 of 4 stars; one submission).

gnomAD v4.1: 1 of 1,612,296 alleles (0.000062%); highest among the groups gnomAD compares: Non-Finnish European, 0.000085%; no homozygotes.

Submission:

Labcorp Genetics (formerly Invitae), Labcorp
Classification: Pathogenic. Last evaluated: 2023-02-22. Review status: criteria provided, single submitter. Criteria: Invitae Variant Classification Sherloc (09022015). Collection method: clinical testing. Allele origin: germline.
Comment: For these reasons, this variant has been classified as Pathogenic. Algorithms developed to predict the effect of sequence changes on RNA splicing suggest that this variant may disrupt the consensus splice site. This variant has not been reported in the literature in individuals affected with MED17-related conditions. This variant is not present in population databases (gnomAD no frequency). This sequence change creates a premature translational stop signal (p.Glu518*) in the MED17 gene. It is expected to result in an absent or disrupted protein product. Loss-of-function variants in MED17 are known to be pathogenic (PMID: 20950787, 26004231, 30345598).

Literature cited by the submitters: PubMed 20950787; PubMed 26004231; PubMed 30345598.

NM_004268.5(MED17):c.1552G>T (p.Glu518Ter)

Gene: MED17 (mediator complex subunit 17; plus strand). Cytogenetic location: 11q21.
Variant type: single nucleotide variant.
Coding change: c.1552G>T on transcript NM_004268.5 (MANE Select); coding-DNA position 1552, G replaced by T.
Protein change: p.Glu518Ter; replaces glutamic acid 518 with a stop codon.
Molecular consequence: nonsense.
Genome position (GRCh38, 1-based): chr11:93,807,603, G>T. VCF-style: chr11-93807603-G-T. GRCh37 (hg19) VCF-style: chr11-93540769-G-T.
Other names: short protein forms E518*.
Identifiers: ClinVar variation 2813000 (VCV002813000.3), dbSNP rs1486747361, ClinGen allele CA382360887.
Genomic context (GRCh38, chr11:93,807,603, plus strand): 5'-GGAGTTGAGCAGATTCGAGTTGTACATAGAGATGGAAGAGTAATTACACTGTCTTATCAG[G>T]AGCAGGAGCTACAGGATTTTCTTCTGTCTCAGGTAACAGTTGCAGATTTTGTCTTAAGCC-3'